The following is an entry in ClinVar:

NM_001085049.3(MRAS):c.-7G>A

Gene: MRAS (muscle RAS oncogene homolog; plus strand). Cytogenetic location: 3q22.3.
Variant type: single nucleotide variant.
Coding change: c.-7G>A on transcript NM_001085049.3 (MANE Select); 7 bases upstream of the start codon, G replaced by A.
Molecular consequence: 5 prime UTR variant. On other transcripts: intron variant (3).
Genome position (GRCh38, 1-based): chr3:138,372,877, G>A. VCF-style: chr3-138372877-G-A. GRCh37 (hg19) VCF-style: chr3-138091719-G-A.
Other names: c.-7G>A (NM_001252090.2, NM_012219.4); c.-35-24447G>A (NM_001252091.1); c.-36+24110G>A (NM_001252093.2); c.-36+23845G>A (NM_001252092.2).
Identifiers: ClinVar variation 1177259 (VCV001177259.3), dbSNP rs368097379, ClinGen allele CA2636911.

ClinVar aggregate classification (germline): Uncertain significance. Review status: criteria provided, single submitter (1 of 4 stars). 2 submissions from 2 submitters: Uncertain significance (1). 1 of the submissions does not count toward it. Last evaluated 2021-06-28.

Conditions:
MRAS-related disorder. Also called: MRAS-related condition.

gnomAD v4.1: 105 of 1,526,950 alleles (0.0069%); highest among the groups gnomAD compares: Non-Finnish European, 0.0089%; no homozygotes.

Submissions (2):

Women's Health and Genetics/Laboratory Corporation of America, LabCorp
Classification: Uncertain significance. Last evaluated: 2021-06-28. Review status: criteria provided, single submitter. Criteria: LabCorp Variant Classification Summary - May 2015. Collection method: clinical testing. Allele origin: germline.
Comment: Variant summary: MRAS c.-7G>A is located in the untranslated mRNA region upstream of the initiation codon. The variant allele was found at a frequency of 2.8e-05 in 178454 control chromosomes, predominantly at a frequency of 4.5e-05 within the Non-Finnish European subpopulation in the gnomAD database. The available data on variant occurrences in the general population are insufficient to allow any conclusion about variant significance. To our knowledge, no occurrence of c.-7G>A in individuals affected with Noonan Syndrome and no experimental evidence demonstrating its impact on protein function have been reported. No clinical diagnostic laboratories have submitted clinical-significance assessments for this variant to ClinVar after 2014. Based on the evidence outlined above, the variant was classified as uncertain significance.

PreventionGenetics, part of Exact Sciences
Classification: Likely benign for MRAS-related condition. Last evaluated: 2020-09-08. Review status: no assertion criteria provided. Collection method: clinical testing. Allele origin: germline. Not counted in ClinVar's aggregate classification.
Comment: This variant is classified as likely benign based on ACMG/AMP sequence variant interpretation guidelines (Richards et al. 2015 PMID: 25741868, with internal and published modifications).